The following is an entry in ClinVar:

NM_145290.4(ADGRA3):c.1973A>C (p.Asp658Ala)

Gene: ADGRA3 (adhesion G protein-coupled receptor A3; minus strand). Cytogenetic location: 4p15.2.
Variant type: single nucleotide variant.
Coding change: c.1973A>C on transcript NM_145290.4 (MANE Select); coding-DNA position 1973, A replaced by C.
Protein change: p.Asp658Ala; replaces aspartic acid 658 with alanine.
Molecular consequence: missense variant.
Genome position (GRCh38, 1-based): chr4:22,413,651, T>G on the plus strand (A>C on the coding strand, the complement: ADGRA3 is on the minus strand). VCF-style: chr4-22413651-T-G. GRCh37 (hg19) VCF-style: chr4-22415274-T-G.
Other names: short protein forms D658A.
Identifiers: ClinVar variation 949502 (VCV000949502.9), dbSNP rs1715309231, ClinGen allele CA356479971.

ClinVar aggregate classification (germline): Uncertain significance (1 of 4 stars; one submission).

Allele frequency attached by ClinVar (database versions not stated): TOPMed below 0.00001; gnomAD 0.00001.
gnomAD v4.1: 1 of 1,613,948 alleles (0.000062%); highest among the groups gnomAD compares: African/African-American, 0.0013%; no homozygotes.

Submission:

Labcorp Genetics (formerly Invitae), Labcorp
Classification: Uncertain significance. Last evaluated: 2022-03-10. Review status: criteria provided, single submitter. Criteria: Invitae Variant Classification Sherloc (09022015). Collection method: clinical testing. Allele origin: germline.
Comment: In summary, the available evidence is currently insufficient to determine the role of this variant in disease. Therefore, it has been classified as a Variant of Uncertain Significance. Algorithms developed to predict the effect of missense changes on protein structure and function are either unavailable or do not agree on the potential impact of this missense change (SIFT: "Deleterious"; PolyPhen-2: "Benign"; Align-GVGD: "Class C0"). ClinVar contains an entry for this variant (Variation ID: 949502). This variant has not been reported in the literature in individuals affected with ADGRA3-related conditions. This variant is not present in population databases (gnomAD no frequency). This sequence change replaces aspartic acid, which is acidic and polar, with alanine, which is neutral and non-polar, at codon 658 of the ADGRA3 protein (p.Asp658Ala).